The following is an entry in ClinVar:

NM_000059.4(BRCA2):c.3203dup (p.Ser1069fs)

Gene: BRCA2 (BRCA2 DNA repair associated; plus strand). Cytogenetic location: 13q13.1.
Variant type: Duplication.
Coding change: c.3203dup on transcript NM_000059.4 (MANE Select); coding-DNA position 3203, one base duplicated (T; older notation c.3203dupT).
Protein change: p.Ser1069fs; shifts the reading frame from serine 1069.
Molecular consequence: frameshift variant. On other transcripts: non-coding transcript variant (1), intron variant (2).
Genome position (GRCh38, 1-based): chr13:32,337,558, T duplicated. VCF-style (leftmost placement, unchanged base first): chr13-32337557-G-GT. GRCh37 (hg19) VCF-style: chr13-32911694-G-GT.
Other names: c.3203dup, p.Ser1069fs (NM_001406719.1, NM_001406720.1, NM_001432077.1); c.1909+4171dup (NM_001406721.1); c.424+6528dup (NM_001406722.1); c.3203dupT (NM_000059.3); short protein forms S1069fs.
Identifiers: ClinVar variation 5033264 (VCV005033264.1).

ClinVar aggregate classification (germline): Pathogenic (1 of 4 stars; one submission).

Conditions:
Hereditary cancer-predisposing syndrome. Also called: Neoplastic Syndromes, Hereditary; Tumor predisposition; Hereditary neoplastic syndrome; Hereditary Cancer Syndrome. Identifiers: Orphanet 140162, MedGen C0027672, MeSH D009386, MONDO:0015356.

Submission:

Ambry Genetics
Classification: Pathogenic for Hereditary cancer-predisposing syndrome. Last evaluated: 2026-07-08. Review status: criteria provided, single submitter. Criteria: Ambry Variant Classification Scheme 2023. Collection method: clinical testing. Allele origin: germline.
Comment: The c.3203dupT pathogenic mutation, located in coding exon 10 of the BRCA2 gene, results from a duplication of T at nucleotide position 3203, causing a translational frameshift with a predicted alternate stop codon (p.S1069Ifs*7). This variant is considered to be rare based on population cohorts in the Genome Aggregation Database (gnomAD). This alteration is expected to result in loss of function by premature protein truncation or nonsense-mediated mRNA decay. As such, this alteration is interpreted as a disease-causing mutation.